The following is an entry in ClinVar:

ClinVar aggregate classification (germline): Uncertain significance. Review status: criteria provided, single submitter (1 of 4 stars). 2 submissions from 2 submitters: Uncertain significance (1). 1 of the submissions does not count toward it. Last evaluated 2024-06-19.

Conditions:
Rectum adenocarcinoma. Also called: Rectal Adenocarcinoma. Identifiers: MedGen C0149978, MONDO:0002169.
Hereditary cancer-predisposing syndrome. Also called: Hereditary neoplastic syndrome; Neoplastic Syndromes, Hereditary; Tumor predisposition; Hereditary Cancer Syndrome. Identifiers: Orphanet 140162, MedGen C0027672, MeSH D009386, MONDO:0015356.

gnomAD v4.1: 1 of 1,614,108 alleles (0.000062%); highest among the groups gnomAD compares: Non-Finnish European, 0.000085%; no homozygotes.

Submissions (2):

Ambry Genetics
Classification: Uncertain significance for Hereditary cancer-predisposing syndrome. Last evaluated: 2024-06-19. Review status: criteria provided, single submitter. Criteria: Ambry Variant Classification Scheme 2023. Collection method: clinical testing. Allele origin: germline.
Comment: The p.H1054Y variant (also known as c.3160C>T), located in coding exon 15 of the APC gene, results from a C to T substitution at nucleotide position 3160. The histidine at codon 1054 is replaced by tyrosine, an amino acid with similar properties. This amino acid position is conserved. In addition, in silico predictors for this gene do not accurately predict pathogenicity. Based on the available evidence, the clinical significance of this variant remains unclear.

3DMed Clinical Laboratory Inc
Classification: Uncertain significance for Rectal Adenocarcinoma. Last evaluated: 2017-12-11. Review status: no assertion criteria provided. Criteria: ACMG Guidelines, 2015. Collection method: clinical testing. Allele origin: germline. Affected: yes. Not counted in ClinVar's aggregate classification.

NM_000038.6(APC):c.3160C>T (p.His1054Tyr)

Gene: APC (APC regulator of Wnt signaling pathway; plus strand). Cytogenetic location: 5q22.2.
Variant type: single nucleotide variant.
Coding change: c.3160C>T on transcript NM_000038.6 (MANE Select); coding-DNA position 3160, C replaced by T.
Protein change: p.His1054Tyr; replaces histidine 1054 with tyrosine.
Molecular consequence: missense variant.
Genome position (GRCh38, 1-based): chr5:112,838,754, C>T. VCF-style: chr5-112838754-C-T. GRCh37 (hg19) VCF-style: chr5-112174451-C-T.
Other names: c.3160C>T, p.His1054Tyr (NM_001127510.3, NM_001354895.2); c.3106C>T, p.His1036Tyr (NM_001127511.3); c.3214C>T, p.His1072Tyr (NM_001354896.2); c.3190C>T, p.His1064Tyr (NM_001354897.2); c.3085C>T, p.His1029Tyr (NM_001354898.2); c.3076C>T, p.His1026Tyr (NM_001354899.2); c.3037C>T, p.His1013Tyr (NM_001354900.2); c.2983C>T, p.His995Tyr (NM_001354901.2); and 6 more; short protein forms H1036Y, H1054Y, H1072Y, H963Y, H1026Y, H928Y, H953Y, H1013Y.
Identifiers: ClinVar variation 559960 (VCV000559960.2), dbSNP rs1195583636, ClinGen allele CA16028259.